The following is an entry in ClinVar:

NM_001904.4(CTNNB1):c.1612C>T (p.Gln538Ter)

Genes: CTNNB1 (catenin beta 1; plus strand), LOC126806659 (BRD4-independent group 4 enhancer GRCh37_chr3:41274918-41276117; plus strand). Cytogenetic location: 3p22.1.
Variant type: single nucleotide variant.
Coding change: c.1612C>T on transcript NM_001904.4 (MANE Select); coding-DNA position 1612, C replaced by T.
Protein change: p.Gln538Ter; replaces glutamine 538 with a stop codon.
Molecular consequence: nonsense.
Genome position (GRCh38, 1-based): chr3:41,234,226, C>T. VCF-style: chr3-41234226-C-T. GRCh37 (hg19) VCF-style: chr3-41275717-C-T.
Other names: c.1612C>T, p.Gln538Ter (NM_001098209.2, NM_001098210.2); c.1591C>T, p.Gln531Ter (NM_001330729.2); short protein forms Q531*, Q538*.
Identifiers: ClinVar variation 1803714 (VCV001803714.3), dbSNP rs2470834823, ClinGen allele CA352234277.

ClinVar aggregate classification (germline): Pathogenic (1 of 4 stars; one submission).

Conditions:
Severe intellectual disability-progressive spastic diplegia syndrome (NEDSDV). Also called: CTNNB1 Neurodevelopmental Disorder; NEURODEVELOPMENTAL DISORDER WITH SPASTIC DIPLEGIA AND VISUAL DEFECTS. Identifiers: Orphanet 404473, MedGen C3554449, MONDO:0014035, OMIM 615075.

Submission:

Illumina Laboratory Services, Illumina
Classification: Pathogenic for Severe intellectual disability-progressive spastic diplegia syndrome. Last evaluated: 2022-05-11. Review status: criteria provided, single submitter. Criteria: ICSLVariantClassificationCriteria RUGD 01 April 2020. Collection method: clinical testing. Allele origin: unknown.
Comment: The CTNNB1 c.1612C>T (p.Gln538Ter) nonsense variant results in the substitution of glutamine at amino acid position 538 with a stop codon. Loss of normal protein function through either protein truncation or nonsense-mediated mRNA decay is expected. This variant has been reported in a heterozygous state in two individuals with neurodevelopmental disorders. In at least one of the individuals the variant occurred in a de novo state (Kharbanda et al. 2017; Kosaki et al. 2020). The c.1612C>T variant is not found in version 2.1.1 or version 3.1.2 of the Genome Aggregation Database. Based on the available evidence, the c.1612C>T (p.Gln538Ter) variant is classified as pathogenic for severe intellectual disability-progressive spastic diplegia syndrome.

Literature cited by the submitters: PubMed 27915094; PubMed 32369273.